The following is an entry in ClinVar:

NM_007078.3(LDB3):c.322-290C>G

Gene: LDB3 (LIM domain binding 3; plus strand). Cytogenetic location: 10q23.2.
Variant type: single nucleotide variant.
Coding change: c.322-290C>G on transcript NM_007078.3 (MANE Select); 290 bases into the intron before coding-DNA position 322, C replaced by G.
Molecular consequence: intron variant.
Genome position (GRCh38, 1-based): chr10:86,681,146, C>G. VCF-style: chr10-86681146-C-G. GRCh37 (hg19) VCF-style: chr10-88440903-C-G.
Other names: c.321+989C>G (NM_001080114.2, NM_001368067.1, NM_001080116.1 and 2 more transcripts); c.322-290C>G (NM_001171611.2, NM_001080115.2, NM_001368064.1 and 3 more transcripts).
Identifiers: ClinVar variation 669537 (VCV000669537.1), dbSNP rs11813013, ClinGen allele CA211211320.

ClinVar aggregate classification (germline): Benign (1 of 4 stars; one submission).

Allele frequency attached by ClinVar (database versions not stated): gnomAD 0.02011; 1000 Genomes Project 0.02376; TOPMed 0.02407; 1000 Genomes Project 30x 0.02639.
gnomAD v4.1: 3,196 of 152,326 alleles (2.1%); highest among the groups gnomAD compares: African/African-American, 7.4%; 113 homozygotes.

Submission:

GeneDx
Classification: Benign. Last evaluated: 2018-06-14. Review status: criteria provided, single submitter. Criteria: GeneDx Variant Classification (06012015). Collection method: clinical testing. Allele origin: germline. Affected: yes.
Comment: This variant is considered likely benign or benign based on one or more of the following criteria: it is a conservative change, it occurs at a poorly conserved position in the protein, it is predicted to be benign by multiple in silico algorithms, and/or has population frequency not consistent with disease.